The following is an entry in ClinVar:

NM_002291.3(LAMB1):c.5336T>C (p.Val1779Ala)

Gene: LAMB1 (laminin subunit beta 1; minus strand). Cytogenetic location: 7q31.1.
Variant type: single nucleotide variant.
Coding change: c.5336T>C on transcript NM_002291.3 (MANE Select); coding-DNA position 5336, T replaced by C.
Protein change: p.Val1779Ala; replaces valine 1779 with alanine.
Molecular consequence: missense variant.
Genome position (GRCh38, 1-based): chr7:107,923,976, A>G on the plus strand (T>C on the coding strand, the complement: LAMB1 is on the minus strand). VCF-style: chr7-107923976-A-G. GRCh37 (hg19) VCF-style: chr7-107564421-A-G.
Other names: c.5336T>C (NM_002291.2); short protein forms V1779A.
Identifiers: ClinVar variation 1912197 (VCV001912197.8), dbSNP rs756798281, ClinGen allele CA4434766.

ClinVar aggregate classification (germline): Uncertain significance. Review status: criteria provided, multiple submitters, no conflicts (2 of 4 stars). 3 submissions from 3 submitters: Uncertain significance (3). Last evaluated 2026-03-03.

Conditions:
Inborn genetic diseases. Identifiers: MedGen C0950123, MeSH D030342.

Allele frequency attached by ClinVar (database versions not stated): gnomAD 0.00001; gnomAD exomes 0.00002; ExAC 0.00004; TOPMed 0.00002.
gnomAD v4.1: 36 of 1,609,722 alleles (0.0022%); highest among the groups gnomAD compares: Non-Finnish European, 0.0029%; no homozygotes.

Submissions (3):

Dasa
Classification: Uncertain significance. Last evaluated: 2026-03-03. Review status: criteria provided, single submitter. Criteria: DASA Assertion Criteria. Collection method: clinical testing. Allele origin: germline.
Comment: NM_002291.3(LAMB1):c.5336T>C (p.Val1779Ala) is a missense variant that results in the substitution of valine with alanine. This variant is rare in population databases. The currently available literature and clinical evidence are not sufficient to establish a definitive association between this variant and the reported condition. Therefore, this variant is classified as a variant of uncertain significance.

Labcorp Genetics (formerly Invitae), Labcorp
Classification: Uncertain significance. Last evaluated: 2025-07-29. Review status: criteria provided, single submitter. Criteria: Invitae Variant Classification Sherloc (09022015). Collection method: clinical testing. Allele origin: germline.
Comment: This sequence change replaces valine, which is neutral and non-polar, with alanine, which is neutral and non-polar, at codon 1779 of the LAMB1 protein (p.Val1779Ala). This variant is present in population databases (rs756798281, gnomAD 0.004%). This variant has not been reported in the literature in individuals affected with LAMB1-related conditions. ClinVar contains an entry for this variant (Variation ID: 1912197). An algorithm developed to predict the effect of missense changes on protein structure and function (PolyPhen-2) suggests that this variant is likely to be tolerated. In summary, the available evidence is currently insufficient to determine the role of this variant in disease. Therefore, it has been classified as a Variant of Uncertain Significance.

Ambry Genetics
Classification: Uncertain significance for Inborn genetic diseases. Last evaluated: 2024-12-17. Review status: criteria provided, single submitter. Criteria: Ambry Variant Classification Scheme 2023. Collection method: clinical testing. Allele origin: germline.